The following is an entry in ClinVar:

ClinVar aggregate classification (germline): Uncertain significance. Review status: criteria provided, multiple submitters, no conflicts (2 of 4 stars). 2 submissions from 2 submitters: Uncertain significance (2). Last evaluated 2022-02-07.

Conditions:
Nephrolithiasis/nephrocalcinosis. Identifiers: MedGen CN580796.
Familial hypocalciuric hypercalcemia (FHH). Also called: Familial benign hypercalcemia. Identifiers: Orphanet 405, MedGen C1809471, MONDO:0018458.
Autosomal dominant hypocalcemia 1 (HYPOC1). Also called: HYPOCALCEMIA, FAMILIAL. Identifiers: MedGen C3715128, MONDO:0011013, OMIM 601198.

Submissions (2):

Ambry Genetics
Classification: Uncertain significance for Nephrolithiasis/nephrocalcinosis. Last evaluated: 2022-02-07. Review status: criteria provided, single submitter. Criteria: Ambry Variant Classification Scheme 2023. Collection method: clinical testing. Allele origin: germline.
Comment: The p.D50V variant (also known as c.149A>T), located in coding exon 1 of the CASR gene, results from an A to T substitution at nucleotide position 149. The aspartic acid at codon 50 is replaced by valine, an amino acid with highly dissimilar properties. This amino acid position is conserved. In addition, this alteration is predicted to be deleterious by in silico analysis. Since supporting evidence is limited at this time, the clinical significance of this alteration remains unclear.

Labcorp Genetics (formerly Invitae), Labcorp
Classification: Uncertain significance for Familial hypocalciuric hypercalcemia; Autosomal dominant hypocalcemia 1. Last evaluated: 2019-10-31. Review status: criteria provided, single submitter. Criteria: Invitae Variant Classification Sherloc (09022015). Collection method: clinical testing. Allele origin: germline.
Comment: This sequence change replaces aspartic acid with valine at codon 50 of the CASR protein (p.Asp50Val). The aspartic acid residue is highly conserved and there is a large physicochemical difference between aspartic acid and valine. This variant is not present in population databases (ExAC no frequency). This variant has not been reported in the literature in individuals with CASR-related conditions. Algorithms developed to predict the effect of missense changes on protein structure and function (SIFT, PolyPhen-2, Align-GVGD) all suggest that this variant is likely to be disruptive, but these predictions have not been confirmed by published functional studies and their clinical significance is uncertain. In summary, the available evidence is currently insufficient to determine the role of this variant in disease. Therefore, it has been classified as a Variant of Uncertain Significance.

NM_000388.4(CASR):c.149A>T (p.Asp50Val)

Gene: CASR (calcium sensing receptor; plus strand). Cytogenetic location: 3q21.1.
Variant type: single nucleotide variant.
Coding change: c.149A>T on transcript NM_000388.4 (MANE Select); coding-DNA position 149, A replaced by T.
Protein change: p.Asp50Val; replaces aspartic acid 50 with valine.
Molecular consequence: missense variant.
Genome position (GRCh38, 1-based): chr3:122,254,338, A>T. VCF-style: chr3-122254338-A-T. GRCh37 (hg19) VCF-style: chr3-121973185-A-T.
Other names: c.149A>T, p.Asp50Val (NM_001178065.2); short protein forms D50V.
Identifiers: ClinVar variation 968475 (VCV000968475.12), dbSNP rs1174370617, ClinGen allele CA354362237.
Genomic context (GRCh38, chr3:122,254,338, plus strand): 5'-GGGACATTATCCTTGGGGGGCTCTTTCCTATTCATTTTGGAGTAGCAGCTAAAGATCAAG[A>T]TCTCAAATCAAGGCCGGAGTCTGTGGAATGTATCAGGTAAGAAGAGGGGCCTAATCTGCC-3'
Protein context (NP_000379.3, residues 40-60): IHFGVAAKDQ[Asp50Val]LKSRPESVEC